The following is an entry in ClinVar:

NM_004795.4(KL):c.2861C>T (p.Pro954Leu)

Gene: KL (klotho; plus strand). Cytogenetic location: 13q13.1.
Variant type: single nucleotide variant.
Coding change: c.2861C>T on transcript NM_004795.4 (MANE Select); coding-DNA position 2861, C replaced by T.
Protein change: p.Pro954Leu; replaces proline 954 with leucine.
Molecular consequence: missense variant.
Genome position (GRCh38, 1-based): chr13:33,064,008, C>T. VCF-style: chr13-33064008-C-T. GRCh37 (hg19) VCF-style: chr13-33638145-C-T.
Other names: short protein forms P954L.
Identifiers: ClinVar variation 2080691 (VCV002080691.4), dbSNP rs139939367, ClinGen allele CA6944404.
Genomic context (GRCh38, chr13:33,064,008, plus strand): 5'-AGTTTGAGCCCAAGGCATCCATGAAACATTACAGGAAAATTATTGACAGCAATGGTTTCC[C>T]GGGCCCAGAAACTCTGGAAAGATTTTGTCCAGAAGAATTCACCGTGTGTACTGAGTGCAG-3'
Protein context (NP_004786.2, residues 944-964): YRKIIDSNGF[Pro954Leu]GPETLERFCP

ClinVar aggregate classification (germline): Uncertain significance (1 of 4 stars; one submission).

Allele frequency attached by ClinVar (database versions not stated): TOPMed 0.00006; ESP Exome Variant Server 0.00008; gnomAD 0.00003.
gnomAD v4.1: 96 of 1,613,998 alleles (0.0059%); highest among the groups gnomAD compares: South Asian, 0.04%; no homozygotes.

Submission:

Labcorp Genetics (formerly Invitae), Labcorp
Classification: Uncertain significance. Last evaluated: 2024-03-27. Review status: criteria provided, single submitter. Criteria: Invitae Variant Classification Sherloc (09022015). Collection method: clinical testing. Allele origin: germline.
Comment: This sequence change replaces proline, which is neutral and non-polar, with leucine, which is neutral and non-polar, at codon 954 of the KL protein (p.Pro954Leu). This variant is present in population databases (rs139939367, gnomAD 0.04%). This variant has not been reported in the literature in individuals affected with KL-related conditions. ClinVar contains an entry for this variant (Variation ID: 2080691). Advanced modeling of protein sequence and biophysical properties (such as structural, functional, and spatial information, amino acid conservation, physicochemical variation, residue mobility, and thermodynamic stability) performed at Invitae indicates that this missense variant is not expected to disrupt KL protein function with a negative predictive value of 80%. In summary, the available evidence is currently insufficient to determine the role of this variant in disease. Therefore, it has been classified as a Variant of Uncertain Significance.